The following is an entry in ClinVar:

NM_004473.4(FOXE1):c.*115A>C

Gene: FOXE1 (forkhead box E1; plus strand). Cytogenetic location: 9q22.33.
Variant type: single nucleotide variant.
Coding change: c.*115A>C on transcript NM_004473.4 (MANE Select); 115 bases downstream of the stop codon, A replaced by C.
Molecular consequence: 3 prime UTR variant.
Genome position (GRCh38, 1-based): chr9:97,855,151, A>C. VCF-style: chr9-97855151-A-C. GRCh37 (hg19) VCF-style: chr9-100617433-A-C.
Identifiers: ClinVar variation 1228293 (VCV001228293.4), dbSNP rs7043516, ClinGen allele CA13063523.

ClinVar aggregate classification (germline): Benign. Review status: criteria provided, multiple submitters, no conflicts (2 of 4 stars). 2 submissions from 2 submitters: Benign (2). Last evaluated 2018-11-11.

Allele frequency attached by ClinVar (database versions not stated): TOPMed 0.18267; 1000 Genomes Project 30x 0.18551; 1000 Genomes Project 0.18131.

Submissions (2):

GeneDx
Classification: Benign. Last evaluated: 2018-11-11. Review status: criteria provided, single submitter. Criteria: GeneDx Variant Classification Process June 2021. Collection method: clinical testing. Allele origin: germline. Affected: yes.
Comment: This variant is associated with the following publications: (PMID: 26728781)

Breakthrough Genomics
Classification: Benign. Review status: criteria provided, single submitter. Criteria: ACMG Guidelines, 2015. Collection method: not provided. Allele origin: germline. Inheritance: Autosomal recessive inheritance. Affected: yes.